The following is an entry in ClinVar:

NM_006009.4(TUBA1A):c.442G>A (p.Gly148Arg)

Gene: TUBA1A (tubulin alpha 1a; minus strand). Cytogenetic location: 12q13.12.
Variant type: single nucleotide variant.
Coding change: c.442G>A on transcript NM_006009.4 (MANE Select); coding-DNA position 442, G replaced by A.
Protein change: p.Gly148Arg; replaces glycine 148 with arginine.
Molecular consequence: missense variant.
Genome position (GRCh38, 1-based): chr12:49,185,924, C>T on the plus strand (G>A on the coding strand, the complement: TUBA1A is on the minus strand). VCF-style: chr12-49185924-C-T. GRCh37 (hg19) VCF-style: chr12-49579707-C-T.
Other names: c.442G>A, p.Gly148Arg (NM_001270399.2); c.337G>A, p.Gly113Arg (NM_001270400.2); short protein forms G113R, G148R.
Identifiers: ClinVar variation 1285447 (VCV001285447.3), dbSNP rs2121244979, ClinGen allele CA384642585.

ClinVar aggregate classification (germline): Likely pathogenic (1 of 4 stars; one submission).

Conditions:
Lissencephaly due to TUBA1A mutation (CDCBM16). Also called: CORTICAL DYSPLASIA, COMPLEX, WITH OTHER BRAIN MALFORMATIONS 16; Lissencephaly 3. Identifiers: Orphanet 171680, MedGen C4305153, MONDO:0012703, OMIM 611603.

Submission:

Institute of Human Genetics, University of Leipzig Medical Center
Classification: Likely pathogenic for Lissencephaly due to TUBA1A mutation. Last evaluated: 2020-11-12. Review status: criteria provided, single submitter. Criteria: ACMG Guidelines, 2015. Collection method: clinical testing. Allele origin: de novo. Inheritance: Autosomal dominant inheritance. Affected: yes.
Comment: Criteria applied: PS2_MOD,PM2,PP2,PP3